The following is an entry in ClinVar:

ClinVar aggregate classification (germline): Uncertain significance. Review status: criteria provided, multiple submitters, no conflicts (2 of 4 stars). 2 submissions from 2 submitters: Uncertain significance (2). Last evaluated 2023-12-07.

Conditions:
Cardiovascular phenotype. Identifiers: MedGen CN230736.
Hypertrophic cardiomyopathy. Also called: HYPERTROPHIC MYOCARDIOPATHY. Identifiers: Orphanet 217569, MedGen C0007194, MeSH D002312, MONDO:0005045, HP:0001639.

Submissions (2):

Labcorp Genetics (formerly Invitae), Labcorp
Classification: Uncertain significance for Hypertrophic cardiomyopathy. Last evaluated: 2023-12-07. Review status: criteria provided, single submitter. Criteria: Invitae Variant Classification Sherloc (09022015). Collection method: clinical testing. Allele origin: germline.
Comment: This sequence change replaces arginine, which is basic and polar, with glycine, which is neutral and non-polar, at codon 1909 of the MYH7 protein (p.Arg1909Gly). This variant is not present in population databases (gnomAD no frequency). This variant has not been reported in the literature in individuals affected with MYH7-related conditions. ClinVar contains an entry for this variant (Variation ID: 1040661). Advanced modeling of protein sequence and biophysical properties (such as structural, functional, and spatial information, amino acid conservation, physicochemical variation, residue mobility, and thermodynamic stability) performed at Invitae indicates that this missense variant is expected to disrupt MYH7 protein function with a positive predictive value of 95%. This variant disrupts the p.Arg1909 amino acid residue in MYH7. Other variant(s) that disrupt this residue have been determined to be pathogenic (PMID: 29300372; Invitae). This suggests that this residue is clinically significant, and that variants that disrupt this residue are likely to be disease-causing. In summary, the available evidence is currently insufficient to determine the role of this variant in disease. Therefore, it has been classified as a Variant of Uncertain Significance.

Ambry Genetics
Classification: Uncertain significance for Cardiovascular phenotype. Last evaluated: 2022-09-15. Review status: criteria provided, single submitter. Criteria: Ambry Variant Classification Scheme 2023. Collection method: clinical testing. Allele origin: germline.
Comment: The p.R1909G variant (also known as c.5725C>G), located in coding exon 37 of the MYH7 gene, results from a C to G substitution at nucleotide position 5725. The arginine at codon 1909 is replaced by glycine, an amino acid with dissimilar properties. This amino acid position is highly conserved in available vertebrate species. In addition, this alteration is predicted to be deleterious by in silico analysis. Since supporting evidence is limited at this time, the clinical significance of this alteration remains unclear.

Literature cited by the submitters: PubMed 29300372 (cited by Labcorp Genetics (formerly Invitae), Labcorp).

NM_000257.4(MYH7):c.5725C>G (p.Arg1909Gly)

Gene: MYH7 (myosin heavy chain 7; minus strand). Cytogenetic location: 14q11.2.
Variant type: single nucleotide variant.
Coding change: c.5725C>G on transcript NM_000257.4 (MANE Select); coding-DNA position 5725, C replaced by G.
Protein change: p.Arg1909Gly; replaces arginine 1909 with glycine.
Molecular consequence: missense variant.
Genome position (GRCh38, 1-based): chr14:23,413,824, G>C on the plus strand (C>G on the coding strand, the complement: MYH7 is on the minus strand). VCF-style: chr14-23413824-G-C. GRCh37 (hg19) VCF-style: chr14-23883033-G-C.
Other names: short protein forms R1909G.
Identifiers: ClinVar variation 1040661 (VCV001040661.10), dbSNP rs146796870, ClinGen allele CA389034605.